The following is an entry in ClinVar:

NM_032119.4(ADGRV1):c.9430G>T (p.Glu3144Ter)

Gene: ADGRV1 (adhesion G protein-coupled receptor V1; plus strand). Cytogenetic location: 5q14.3.
Variant type: single nucleotide variant.
Coding change: c.9430G>T on transcript NM_032119.4 (MANE Select); coding-DNA position 9430, G replaced by T.
Protein change: p.Glu3144Ter; replaces glutamic acid 3144 with a stop codon.
Molecular consequence: nonsense. On other transcripts: non-coding transcript variant (1).
Genome position (GRCh38, 1-based): chr5:90,716,712, G>T. VCF-style: chr5-90716712-G-T. GRCh37 (hg19) VCF-style: chr5-90012529-G-T.
Other names: short protein forms E3144*.
Identifiers: ClinVar variation 1398087 (VCV001398087.6), dbSNP rs1056978451, ClinGen allele CA360397778.

ClinVar aggregate classification (germline): Pathogenic (1 of 4 stars; one submission).

Submission:

Labcorp Genetics (formerly Invitae), Labcorp
Classification: Pathogenic. Last evaluated: 2022-09-23. Review status: criteria provided, single submitter. Criteria: Invitae Variant Classification Sherloc (09022015). Collection method: clinical testing. Allele origin: germline.
Comment: This variant is not present in population databases (gnomAD no frequency). This variant has not been reported in the literature in individuals affected with ADGRV1-related conditions. ClinVar contains an entry for this variant (Variation ID: 1398087). Algorithms developed to predict the effect of sequence changes on RNA splicing suggest that this variant may disrupt the consensus splice site. For these reasons, this variant has been classified as Pathogenic. This sequence change creates a premature translational stop signal (p.Glu3144*) in the ADGRV1 gene. It is expected to result in an absent or disrupted protein product. Loss-of-function variants in ADGRV1 are known to be pathogenic (PMID: 19357117, 22135276, 22147658, 26226137, 30718709, 31047384, 32467589).

Literature cited by the submitters: PubMed 19357117; PubMed 22135276; PubMed 22147658; PubMed 26226137; PubMed 30718709; PubMed 31047384; PubMed 32467589.